The following is an entry in ClinVar:

ClinVar aggregate classification (germline): Uncertain significance (1 of 4 stars; one submission).

Conditions:
Left ventricular noncompaction 8 (LVNC8). Identifiers: Orphanet 154, Orphanet 54260, MedGen C3809288, MONDO:0014152, OMIM 615373.

gnomAD v4.1: 11 of 1,613,754 alleles (0.00068%); highest among the groups gnomAD compares: Non-Finnish European, 0.00093%; no homozygotes.

Submission:

Labcorp Genetics (formerly Invitae), Labcorp
Classification: Uncertain significance for Left ventricular noncompaction 8. Last evaluated: 2025-10-18. Review status: criteria provided, single submitter. Criteria: Invitae Variant Classification Sherloc (09022015). Collection method: clinical testing. Allele origin: germline.
Comment: This sequence change replaces leucine, which is neutral and non-polar, with phenylalanine, which is neutral and non-polar, at codon 169 of the PRDM16 protein (p.Leu169Phe). This variant is not present in population databases (gnomAD no frequency). This variant has not been reported in the literature in individuals affected with PRDM16-related conditions. An algorithm developed to predict the effect of missense changes on protein structure and function (PolyPhen-2) suggests that this variant is likely to be disruptive. In summary, the available evidence is currently insufficient to determine the role of this variant in disease. Therefore, it has been classified as a Variant of Uncertain Significance.

NM_022114.4(PRDM16):c.505C>T (p.Leu169Phe)

Gene: PRDM16 (PR/SET domain 16; plus strand). Cytogenetic location: 1p36.32.
Variant type: single nucleotide variant.
Coding change: c.505C>T on transcript NM_022114.4 (MANE Select); coding-DNA position 505, C replaced by T.
Protein change: p.Leu169Phe; replaces leucine 169 with phenylalanine.
Molecular consequence: missense variant.
Genome position (GRCh38, 1-based): chr1:3,385,218, C>T. VCF-style: chr1-3385218-C-T. GRCh37 (hg19) VCF-style: chr1-3301782-C-T.
Other names: c.505C>T, p.Leu169Phe (NM_199454.3); short protein forms L169F.
Identifiers: ClinVar variation 4766746 (VCV004766746.1).
Genomic context (GRCh38, chr1:3,385,218, plus strand): 5'-GAAGACCTGGGCAGTGAGAAGTTCTGCGTGGATGCAAATCAGGCGGGGGCTGGCAGCTGG[C>T]TCAAGTACATCCGTGTGGCGTGCTCCTGCGATGACCAGAACCTCACCATGTGTCAGATCA-3'
Protein context (NP_071397.3, residues 159-179): DANQAGAGSW[Leu169Phe]KYIRVACSCD